The following is an entry in ClinVar:

NM_024753.5(TTC21B):c.2988A>G (p.Leu996=)

Gene: TTC21B (tetratricopeptide repeat domain 21B; minus strand). Cytogenetic location: 2q24.3.
Variant type: single nucleotide variant.
Coding change: c.2988A>G on transcript NM_024753.5 (MANE Select); coding-DNA position 2988, A replaced by G.
Protein change: p.Leu996=; no amino-acid change (leucine 996 retained).
Molecular consequence: synonymous variant.
Genome position (GRCh38, 1-based): chr2:165,890,951, T>C on the plus strand (A>G on the coding strand, the complement: TTC21B is on the minus strand). VCF-style: chr2-165890951-T-C. GRCh37 (hg19) VCF-style: chr2-166747461-T-C.
Other names: c.2988A>G (NM_024753.4).
Identifiers: ClinVar variation 4957331 (VCV004957331.2).
Genomic context (GRCh38, chr2:165,890,951, plus strand): 5'-GTTACGTTTCTCAGCCATTGAGAAAAATCTTGGGACATCCTCGAGTTTTCCACATCTTCT[T>C]AGGAGATCAATCAAACGAGATAATGTCATATAATTATCTAGAAACAAATAATACTTCAGA-3'
Protein context (NP_079029.3, residues 986-1006): YMTLSRLIDL[Leu996=]RRCGKLEDVP

ClinVar aggregate classification (germline): Likely benign. Review status: criteria provided, multiple submitters, no conflicts (2 of 4 stars). 2 submissions from 2 submitters: Likely benign (2). Last evaluated 2026-07-05.

Conditions:
TTC21B-related disorder. Also called: TTC21B-related condition; TTC21B-related disorders.

Submissions (2):

PreventionGenetics, part of Exact Sciences
Classification: Likely benign for TTC21B-related condition. Last evaluated: 2026-07-05. Review status: criteria provided, single submitter. Criteria: ACMG Guidelines, 2015. Collection method: clinical testing. Allele origin: germline.
Comment: This variant is classified as likely benign based on ACMG/AMP sequence variant interpretation guidelines (Richards et al. 2015 PMID: 25741868, with internal and published modifications).

Blueprint Genetics
Classification: Likely benign. Last evaluated: 2022-09-20. Review status: criteria provided, single submitter. Criteria: ACMG Guidelines, 2015. Collection method: clinical testing. Allele origin: germline.